The following is an entry in ClinVar:

NC_000003.12:g.169765006T>A

Genes: TERC (telomerase RNA component; minus strand), LOC110806306 (telomerase RNA component (TERC) promoter; plus strand). Cytogenetic location: 3q26.2.
Variant type: single nucleotide variant.
Genome position: GRCh38 VCF-style: chr3-169765006-T-A. GRCh37 (hg19) VCF-style: chr3-169482794-T-A.
Identifiers: ClinVar variation 856057 (VCV000856057.12), dbSNP rs1777964464, ClinGen allele CA436715936.

ClinVar aggregate classification (germline): Uncertain significance (1 of 4 stars; one submission).

Conditions:
Dyskeratosis congenita, autosomal dominant 1 (DKCA1). Also called: Dyskeratosis congenita Scoggins type. Identifiers: Orphanet 1775, MedGen C4551974, MONDO:0007485, OMIM 127550. Inheritance: Variable.

Allele frequency attached by ClinVar (database versions not stated): gnomAD 0.00001; gnomAD exomes 0.00001.
gnomAD v4.1: 6 of 765,306 alleles (0.00078%); highest among the groups gnomAD compares: Admixed American, 0.0017%; no homozygotes.

Submission:

Labcorp Genetics (formerly Invitae), Labcorp
Classification: Uncertain significance for Dyskeratosis congenita, autosomal dominant 1. Last evaluated: 2022-07-03. Review status: criteria provided, single submitter. Criteria: Invitae Variant Classification Sherloc (09022015). Collection method: clinical testing. Allele origin: germline.
Comment: In summary, the available evidence is currently insufficient to determine the role of this variant in disease. Therefore, it has been classified as a Variant of Uncertain Significance. This variant is located within the template/pseudoknot domain of the TERC RNA component, which is required for RNA or RNP stability (PMID: 15082312, 21844345). ClinVar contains an entry for this variant (Variation ID: 856057). This variant has not been reported in the literature in individuals affected with TERC-related conditions. This variant is not present in population databases (gnomAD no frequency). This variant occurs in the TERC gene, which encodes an RNA molecule that does not result in a protein product.

Literature cited by the submitters: PubMed 15082312; PubMed 21844345.